The following is an entry in ClinVar:

ClinVar aggregate classification (germline): Uncertain significance (1 of 4 stars; one submission).

Conditions:
Severe combined immunodeficiency due to DNA-PKcs deficiency. Also called: IMMUNODEFICIENCY 26 WITH NEUROLOGIC ABNORMALITIES; Immunodeficiency 26 with or without neurologic abnormalities. Identifiers: Orphanet 317425, MedGen C4014833, MONDO:0014423, OMIM 615966.

Allele frequency attached by ClinVar (database versions not stated): gnomAD exomes 0.00001 and 0.00002; ExAC 0.00003; ESP Exome Variant Server 0.00008; gnomAD 0.00009 and 0.00011; TOPMed 0.00009.
gnomAD v4.1: 28 of 1,613,860 alleles (0.0017%); highest among the groups gnomAD compares: African/African-American, 0.036%; no homozygotes.

Submission:

Labcorp Genetics (formerly Invitae), Labcorp
Classification: Uncertain significance for Severe combined immunodeficiency due to DNA-PKcs deficiency. Last evaluated: 2024-10-29. Review status: criteria provided, single submitter. Criteria: Invitae Variant Classification Sherloc (09022015). Collection method: clinical testing. Allele origin: germline.
Comment: This sequence change replaces isoleucine, which is neutral and non-polar, with valine, which is neutral and non-polar, at codon 1414 of the PRKDC protein (p.Ile1414Val). This variant is present in population databases (rs373660300, gnomAD 0.02%). This variant has not been reported in the literature in individuals affected with PRKDC-related conditions. ClinVar contains an entry for this variant (Variation ID: 1524436). Invitae Evidence Modeling of protein sequence and biophysical properties (such as structural, functional, and spatial information, amino acid conservation, physicochemical variation, residue mobility, and thermodynamic stability) indicates that this missense variant is not expected to disrupt PRKDC protein function with a negative predictive value of 80%. In summary, the available evidence is currently insufficient to determine the role of this variant in disease. Therefore, it has been classified as a Variant of Uncertain Significance.

NM_006904.7(PRKDC):c.4240A>G (p.Ile1414Val)

Gene: PRKDC (protein kinase, DNA-activated, catalytic subunit; minus strand). Cytogenetic location: 8q11.21.
Variant type: single nucleotide variant.
Coding change: c.4240A>G on transcript NM_006904.7 (MANE Select); coding-DNA position 4240, A replaced by G.
Protein change: p.Ile1414Val; replaces isoleucine 1414 with valine.
Molecular consequence: missense variant.
Genome position (GRCh38, 1-based): chr8:47,889,054, T>C on the plus strand (A>G on the coding strand, the complement: PRKDC is on the minus strand). VCF-style: chr8-47889054-T-C. GRCh37 (hg19) VCF-style: chr8-48801615-T-C.
Other names: c.4240A>G, p.Ile1414Val (NM_001081640.2); short protein forms I1414V.
Identifiers: ClinVar variation 1524436 (VCV001524436.5), dbSNP rs373660300, ClinGen allele CA4740973.